The following is an entry in ClinVar:

NM_000152.5(GAA):c.1844G>A (p.Gly615Glu)

Gene: GAA (alpha glucosidase; plus strand). Cytogenetic location: 17q25.3.
Variant type: single nucleotide variant.
Coding change: c.1844G>A on transcript NM_000152.5 (MANE Select); coding-DNA position 1844, G replaced by A.
Protein change: p.Gly615Glu; replaces glycine 615 with glutamic acid.
Molecular consequence: missense variant.
Genome position (GRCh38, 1-based): chr17:80,112,667, G>A. VCF-style: chr17-80112667-G-A. GRCh37 (hg19) VCF-style: chr17-78086466-G-A.
Other names: c.1844G>A, p.Gly615Glu (NM_001079803.3, NM_001079804.3); short protein forms G615E.
Identifiers: ClinVar variation 972758 (VCV000972758.9), dbSNP rs1243515778, ClinGen allele CA401369598.

ClinVar aggregate classification (germline): Pathogenic/Likely pathogenic. Review status: criteria provided, multiple submitters, no conflicts (2 of 4 stars). 5 submissions from 5 submitters: Pathogenic (2); Likely pathogenic (3). Last evaluated 2026-07-01.

Conditions:
Glycogen storage disease, type II (IOPD). Also called: CARDIOMEGALIA GLYCOGENICA DIFFUSA; Glycogen storage disease type 2; Acid maltase deficiency disease; Aglucosidase alfa; Deficiency of alpha-glucosidase; Deficiency of lysosomal alpha-glucosidase. Identifiers: Orphanet 365, MedGen C0017921, MONDO:0009290, OMIM 232300.

Allele frequency attached by ClinVar (database versions not stated): gnomAD exomes below 0.00001.
gnomAD v4.1: 1 of 1,612,232 alleles (0.000062%); highest among the groups gnomAD compares: Admixed American, 0.0017%; no homozygotes.

Submissions (5):

Genomenon, Inc
Classification: Likely pathogenic for Glycogen storage disease, type II. Last evaluated: 2026-07-01. Review status: criteria provided, single submitter. Criteria: Genomenon Sequence Variant Interpretation Standards - Updated. Collection method: curation. Allele origin: germline. Affected: yes.
Comment: GAA p.Gly615Glu (c.1844G>A) is a missense variant that changes the amino acid at codon 615 from Glycine to Glutamic acid. This variant has been observed in at least one proband with a GAA-related disorder in the compound heterozygous and/or homozygous state (PMID:38043017;32849613;31086307;15986226). It is absent or not present at a significant frequency in gnomAD. In silico models predict that this variant is possibly or probably damaging. In conclusion, we classify GAA p.Gly615Glu (c.1844G>A) as a likely pathogenic variant.

Labcorp Genetics (formerly Invitae), Labcorp
Classification: Pathogenic for Glycogen storage disease, type II. Last evaluated: 2025-03-28. Review status: criteria provided, single submitter. Criteria: Invitae Variant Classification Sherloc (09022015). Collection method: clinical testing. Allele origin: germline.
Comment: This sequence change replaces glycine, which is neutral and non-polar, with glutamic acid, which is acidic and polar, at codon 615 of the GAA protein (p.Gly615Glu). This variant is present in population databases (no rsID available, gnomAD 0.003%). This missense change has been observed in individual(s) with Pompe disease (PMID: 15986226, 31086307). ClinVar contains an entry for this variant (Variation ID: 972758). Invitae Evidence Modeling of protein sequence and biophysical properties (such as structural, functional, and spatial information, amino acid conservation, physicochemical variation, residue mobility, and thermodynamic stability) indicates that this missense variant is expected to disrupt GAA protein function with a positive predictive value of 95%. This variant disrupts the p.Gly615 amino acid residue in GAA. Other variant(s) that disrupt this residue have been determined to be pathogenic (PMID: 15366815, 16860134, 25037089). This suggests that this residue is clinically significant, and that variants that disrupt this residue are likely to be disease-causing. For these reasons, this variant has been classified as Pathogenic.

Women's Health and Genetics/Laboratory Corporation of America, LabCorp
Classification: Pathogenic for Glycogen storage disease, type II. Last evaluated: 2024-12-05. Review status: criteria provided, single submitter. Criteria: LabCorp Variant Classification Summary - May 2015. Collection method: clinical testing. Allele origin: germline.
Comment: Variant summary: GAA c.1844G>A (p.Gly615Glu) results in a non-conservative amino acid change in the encoded protein sequence. Five of five in-silico tools predict a damaging effect of the variant on protein function. The variant allele was found at a frequency of 4.1e-06 in 244002 control chromosomes. c.1844G>A has been reported in the literature in the homozygous and compound heterozygous state in individuals affected with Glycogen Storage Disease, Type 2 (Pompe Disease) (Kishnani_2019, Sharma_2005). These data indicate that the variant is likely to be associated with disease. A different variant affecting the same codon has been classified as pathogenic by our lab (c.1843G>A, p.Gly615Arg), supporting the critical relevance of codon 615 to GAA protein function. To our knowledge, no experimental evidence demonstrating an impact on protein function has been reported. The following publications have been ascertained in the context of this evaluation (PMID: 31086307, 15986226). ClinVar contains an entry for this variant (Variation ID: 972758). Based on the evidence outlined above, the variant was classified as pathogenic.

Baylor Genetics
Classification: Likely pathogenic for Glycogen storage disease, type II. Last evaluated: 2024-02-08. Review status: criteria provided, single submitter. Criteria: ACMG Guidelines, 2015. Collection method: clinical testing. Allele origin: unknown.

Broad Center for Mendelian Genomics, Broad Institute of MIT and Harvard
Classification: Likely pathogenic for Glycogen storage disease, type II. Last evaluated: 2020-01-14. Review status: criteria provided, single submitter. Criteria: ACMG Guidelines, 2015. Collection method: curation. Allele origin: germline. Inheritance: Autosomal recessive inheritance.
Comment: The p.Gly615Glu variant in GAA has been reported in one individual with glycogen storage disease II (PMID: 15986226) and has been identified in 0.003% (1/34196) of Latino chromosomes by the Genome Aggregation Database (gnomAD; dbSNP rs1243515778). Although this variant has been seen in the general population, its frequency is low enough to be consistent with a recessive carrier frequency. Computational prediction tools and conservation analyses suggest that this variant may impact the protein, though this information is not predictive enough to determine pathogenicity. One additional likely pathogenic variant, resulting in a different amino acid change at the same position, p.Gly615Arg, has been reported in association with disease in ClinVar and the literature, slightly supporting that a change at this position may not be tolerated (PMID: 16860134, 18458862, 10338092, 18607768, 15366815; Variation ID: 188786). The phenotype of an individual heterozygous for this variant is highly specific for glycogen storage disease II based on GAA enzyme activity in muscle being 2% of wild type, consistent with disease (PMID: 15986226). Additionally, the presence of this variant in combination with reported pathogenic variant c.-32-13T>G (VariationID: 4027; PMID: 15986226) and in an individual with glycogen storage disease II increases the likelihood that the p.Gly615Glu variant is pathogenic. In summary, although additional studies are required to fully establish its clinical significance, this variant is likely pathogenic. ACMG/AMP Criteria applied: PM2, PM3_supporting, PP3, PM5_supporting, PP4 (Richards 2015).

Literature cited by the submitters: PubMed 38043017 (cited by Genomenon, Inc); PubMed 32849613 (cited by Genomenon, Inc); PubMed 31086307 (cited by 3 submitters); PubMed 15986226 (cited by 3 submitters); PubMed 15366815 (cited by Labcorp Genetics (formerly Invitae), Labcorp); PubMed 16860134 (cited by Labcorp Genetics (formerly Invitae), Labcorp); PubMed 25037089 (cited by Labcorp Genetics (formerly Invitae), Labcorp).